The following is an entry in ClinVar:

NM_001243133.2(NLRP3):c.2834+12G>C

Gene: NLRP3 (NLR family pyrin domain containing 3; plus strand). Cytogenetic location: 1q44.
Variant type: single nucleotide variant.
Coding change: c.2834+12G>C on transcript NM_001243133.2 (MANE Select); 12 bases into the intron after coding-DNA position 2834, G replaced by C.
Molecular consequence: intron variant.
Genome position (GRCh38, 1-based): chr1:247,444,154, G>C. VCF-style: chr1-247444154-G-C. GRCh37 (hg19) VCF-style: chr1-247607456-G-C.
Other names: c.2840+12G>C (NM_004895.5); c.2663+12G>C (NM_001127461.3, NM_001127462.3); c.2492+12G>C (NM_183395.3); c.2834+12G>C (NM_001079821.3).
Identifiers: ClinVar variation 103039 (VCV000103039.12), dbSNP rs199475736, ClinGen allele CA230003.

ClinVar aggregate classification (germline): Benign. Review status: criteria provided, multiple submitters, no conflicts (2 of 4 stars). 3 submissions from 3 submitters: Benign (2). 1 of the submissions does not count toward it. Last evaluated 2025-07-27.

Conditions:
Cryopyrin associated periodic syndrome (CAPS). Identifiers: Orphanet 208650, MedGen C2316212, MONDO:0016168.

Allele frequency attached by ClinVar (database versions not stated): 1000 Genomes Project 30x 0.00094; gnomAD exomes 0.00002 and 0.00007; gnomAD 0.00026 and 0.00028; ESP Exome Variant Server 0.00015; TOPMed 0.00028; 1000 Genomes Project 0.00080; ExAC 0.00008.
gnomAD v4.1: 70 of 1,614,076 alleles (0.0043%); highest among the groups gnomAD compares: African/African-American, 0.077%; no homozygotes.

Submissions (3):

Labcorp Genetics (formerly Invitae), Labcorp
Classification: Benign for Cryopyrin associated periodic syndrome. Last evaluated: 2025-07-27. Review status: criteria provided, single submitter. Criteria: Invitae Variant Classification Sherloc (09022015). Collection method: clinical testing. Allele origin: germline.

Women's Health and Genetics/Laboratory Corporation of America, LabCorp
Classification: Benign. Last evaluated: 2025-01-06. Review status: criteria provided, single submitter. Criteria: LabCorp Variant Classification Summary - May 2015. Collection method: clinical testing. Allele origin: germline.

Human Evolutionary Genetics, Institut Pasteur
No classification provided. Review status: no classification provided. Collection method: not provided. Allele origin: germline. Not counted in ClinVar's aggregate classification.
ClinVar note: Converted during submission from untested to not provided.